The following is an entry in ClinVar:

NM_002691.4(POLD1):c.460C>G (p.Pro154Ala)

Gene: POLD1 (DNA polymerase delta 1, catalytic subunit; plus strand). Cytogenetic location: 19q13.33.
Variant type: single nucleotide variant.
Coding change: c.460C>G on transcript NM_002691.4 (MANE Select); coding-DNA position 460, C replaced by G.
Protein change: p.Pro154Ala; replaces proline 154 with alanine.
Molecular consequence: missense variant. On other transcripts: non-coding transcript variant (1).
Genome position (GRCh38, 1-based): chr19:50,401,921, C>G. VCF-style: chr19-50401921-C-G. GRCh37 (hg19) VCF-style: chr19-50905178-C-G.
Other names: c.460C>G, p.Pro154Ala (NM_001256849.1, NM_001308632.1); short protein forms P154A.
Identifiers: ClinVar variation 1204447 (VCV001204447.3), dbSNP rs2122235152, ClinGen allele CA406972790.
Genomic context (GRCh38, chr19:50,401,921, plus strand): 5'-GGGTTCTCTGTCTGCTGCCACATCCACGGCTTCGCTCCCTACTTCTACACCCCAGCGCCC[C>G]CTGGTGAGTGGCCCCTACCCAGCCCCTCCCTGAGCCACTGGAGCCCCCTGCACCTCTGAT-3'
Protein context (NP_002682.2, residues 144-164): FAPYFYTPAP[Pro154Ala]GFGPEHMGDL

ClinVar aggregate classification (germline): Uncertain significance (1 of 4 stars; one submission).

Submission:

GeneDx
Classification: Uncertain significance. Last evaluated: 2019-06-03. Review status: criteria provided, single submitter. Criteria: GeneDx Variant Classification Process June 2021. Collection method: clinical testing. Allele origin: germline. Affected: yes.
Comment: Not observed in large population cohorts (Lek et al., 2016); In silico analysis, which includes protein predictors and evolutionary conservation, supports that this variant does not alter protein structure/function; Has not been previously published as pathogenic or benign to our knowledge